The following is an entry in ClinVar:

NM_033409.4(SLC52A3):c.1327_1338del (p.Gly443_Leu446del)

Gene: SLC52A3 (solute carrier family 52 member 3; minus strand). Cytogenetic location: 20p13.
Variant type: Deletion.
Coding change: c.1327_1338del on transcript NM_033409.4 (MANE Select); coding-DNA positions 1327 to 1338, 12 bases deleted (GGAGCGCTGCTC).
Protein change: p.Gly443_Leu446del.
Molecular consequence: inframe deletion.
Genome position (GRCh38, 1-based): chr20:761,098-761,109, GAGCAGCGCTCC deleted on the plus strand (GGAGCGCTGCTC on the coding strand, the reverse complement: SLC52A3 is on the minus strand); deleting any 12 consecutive bases within chr20:761,098-761,117 gives the same sequence; the c. name uses the placement nearest the transcript's 3' end. VCF-style (leftmost placement, unchanged base first): chr20-761097-TGAGCAGCGCTCC-T. GRCh37 (hg19) VCF-style: chr20-741741-TGAGCAGCGCTCC-T.
Other names: c.1327_1338del, p.Gly443_Leu446del (NM_001370085.1, NM_001370086.1).
Identifiers: ClinVar variation 645920 (VCV000645920.8), dbSNP rs1462694166, ClinGen allele CA746663490.

ClinVar aggregate classification (germline): Uncertain significance (1 of 4 stars; one submission).

Conditions:
Brown-Vialetto-van Laere syndrome 1. Also called: BROWN-VIALETTO-VAN LAERE SYNDROME 1, MILD; BULBAR PALSY, PROGRESSIVE, WITH SENSORINEURAL DEAFNESS; PONTOBULBAR PALSY WITH DEAFNESS. Identifiers: Orphanet 572550, Orphanet 97229, MedGen C0796274, MONDO:0024537, OMIM 211530.

Submission:

Labcorp Genetics (formerly Invitae), Labcorp
Classification: Uncertain significance for Brown-Vialetto-van Laere syndrome 1. Last evaluated: 2018-12-04. Review status: criteria provided, single submitter. Criteria: Invitae Variant Classification Sherloc (09022015). Collection method: clinical testing. Allele origin: germline.
Comment: This variant, c.1327_1338delGGAGCGCTGCTC, results in the deletion of 4 amino acids of the SLC52A3 protein (p.Gly443_Leu446del), but otherwise preserves the integrity of the reading frame. This variant is not present in population databases (ExAC no frequency). This variant has not been reported in the literature in individuals with SLC52A3-related conditions. Experimental studies and prediction algorithms are not available for this variant, and the functional significance of the affected amino acid(s) is currently unknown. In summary, the available evidence is currently insufficient to determine the role of this variant in disease. Therefore, it has been classified as a Variant of Uncertain Significance.